The following is an entry in ClinVar:

NM_001393586.1(MYO7B):c.3483C>T (p.Ser1161=)

Gene: MYO7B (myosin VIIB; plus strand). Cytogenetic location: 2q14.3.
Variant type: single nucleotide variant.
Coding change: c.3483C>T on transcript NM_001393586.1 (MANE Select); coding-DNA position 3483, C replaced by T.
Protein change: p.Ser1161=; no amino-acid change (serine 1161 retained).
Molecular consequence: synonymous variant. On other transcripts: 5 prime UTR variant (1).
Genome position (GRCh38, 1-based): chr2:127,620,424, C>T. VCF-style: chr2-127620424-C-T. GRCh37 (hg19) VCF-style: chr2-128377999-C-T.
Other names: c.3405C>T, p.Ser1135= (NM_001080527.2); c.-37C>T (NM_001393594.1).
Identifiers: ClinVar variation 3042738 (VCV003042738.2), dbSNP rs551139341, ClinGen allele CA1861449.

ClinVar aggregate classification (germline): Likely benign (0 of 4 stars; one submission).

Conditions:
MYO7B-related disorder. Also called: MYO7B-related condition.

Allele frequency attached by ClinVar (database versions not stated): TOPMed 0.00001; gnomAD 0.00005; ExAC 0.00013; 1000 Genomes Project 30x 0.00016; 1000 Genomes Project 0.00020.
gnomAD v4.1: 124 of 1,610,242 alleles (0.0077%); highest among the groups gnomAD compares: South Asian, 0.13%; 2 homozygotes.

Submission:

PreventionGenetics, part of Exact Sciences
Classification: Likely benign for MYO7B-related condition. Last evaluated: 2019-06-27. Review status: no assertion criteria provided. Collection method: clinical testing. Allele origin: germline.
Comment: This variant is classified as likely benign based on ACMG/AMP sequence variant interpretation guidelines (Richards et al. 2015 PMID: 25741868, with internal and published modifications).